The following is an entry in ClinVar:

ClinVar aggregate classification (germline): Pathogenic (1 of 4 stars; one submission).

Submission:

Labcorp Genetics (formerly Invitae), Labcorp
Classification: Pathogenic. Last evaluated: 2023-07-03. Review status: criteria provided, single submitter. Criteria: Invitae Variant Classification Sherloc (09022015). Collection method: clinical testing. Allele origin: germline.
Comment: This sequence change results in a frameshift in the EYS gene (p.Asn3133Lysfs*53). While this is not anticipated to result in nonsense mediated decay, it is expected to disrupt the last 12 amino acid(s) of the EYS protein and extend the protein by 40 additional amino acid residues. This variant is not present in population databases (gnomAD no frequency). This frameshift has been observed in individual(s) with inherited retinal dystrophy (PMID: 34662339). It has also been observed to segregate with disease in related individuals. This variant is also known as c.9460_9461dupAA (p.Asn3154Lysfs53). This variant disrupts a region of the EYS protein in which other variant(s) (c.9405T>A (p.Tyr3135*) ) have been determined to be pathogenic (PMID: 18976725, 30337596). This suggests that this is a clinically significant region of the protein, and that variants that disrupt it are likely to be disease-causing. For these reasons, this variant has been classified as Pathogenic.

Literature cited by the submitters: PubMed 34662339; PubMed 18976725; PubMed 30337596.

NM_001142800.2(EYS):c.9397_9398dup (p.Asn3133fs)

Genes: EYS (EGF-like photoreceptor maintenance factor; minus strand), PHF3 (PHD finger protein 3; plus strand). Cytogenetic location: 6q12.
Variant type: Duplication.
Coding change: c.9397_9398dup on transcript NM_001142800.2 (MANE Select); coding-DNA positions 9397 to 9398, 2 bases duplicated (AA; older notation c.9397_9398dupAA).
Protein change: p.Asn3133fs; shifts the reading frame from asparagine 3133.
Molecular consequence: frameshift variant. On other transcripts: 3 prime UTR variant (5).
Genome position (GRCh38, 1-based): chr6:63,720,633-63,720,634, TT duplicated on the plus strand (AA on the coding strand, the reverse complement: EYS is on the minus strand). VCF-style (leftmost placement, unchanged base first): chr6-63720632-A-ATT. GRCh37 (hg19) VCF-style: chr6-64430528-A-ATT.
Other names: c.*6925_*6926dup (NM_001290259.2, NM_001370348.2, NM_001370349.2 and 2 more transcripts); c.9460_9461dup, p.Asn3154fs (NM_001292009.2); short protein forms N3133fs, N3154fs.
Identifiers: ClinVar variation 2782211 (VCV002782211.3), dbSNP rs2533384440, ClinGen allele CA2695206625.